The following is an entry in ClinVar:

NM_001005273.3(CHD3):c.1381G>A (p.Val461Ile)

Gene: CHD3 (chromodomain helicase DNA binding protein 3; plus strand). Cytogenetic location: 17p13.1.
Variant type: single nucleotide variant.
Coding change: c.1381G>A on transcript NM_001005273.3 (MANE Select); coding-DNA position 1381, G replaced by A.
Protein change: p.Val461Ile; replaces valine 461 with isoleucine.
Molecular consequence: missense variant.
Genome position (GRCh38, 1-based): chr17:7,895,028, G>A. VCF-style: chr17-7895028-G-A. GRCh37 (hg19) VCF-style: chr17-7798346-G-A.
Other names: c.1558G>A, p.Val520Ile (NM_001005271.3); c.1381G>A, p.Val461Ile (NM_005852.4); short protein forms V461I, V520I.
Identifiers: ClinVar variation 3051581 (VCV003051581.3), dbSNP rs769962813, ClinGen allele CA8362656.

ClinVar aggregate classification (germline): Likely benign. Review status: criteria provided, single submitter (1 of 4 stars). 2 submissions from 2 submitters: Likely benign (1). 1 of the submissions does not count toward it. Last evaluated 2021-07-26.

Conditions:
CHD3-related disorder. Also called: CHD3-related condition.
Inborn genetic diseases. Identifiers: MedGen C0950123, MeSH D030342.

Allele frequency attached by ClinVar (database versions not stated): gnomAD 0.00007; TOPMed 0.00008.

Submissions (2):

Ambry Genetics
Classification: Likely benign for Inborn genetic diseases. Last evaluated: 2021-07-26. Review status: criteria provided, single submitter. Criteria: Ambry Variant Classification Scheme 2023. Collection method: clinical testing. Allele origin: germline.

PreventionGenetics, part of Exact Sciences
Classification: Likely benign for CHD3-related condition. Last evaluated: 2021-10-12. Review status: no assertion criteria provided. Collection method: clinical testing. Allele origin: germline. Not counted in ClinVar's aggregate classification.
Comment: This variant is classified as likely benign based on ACMG/AMP sequence variant interpretation guidelines (Richards et al. 2015 PMID: 25741868, with internal and published modifications).